The following is an entry in ClinVar:

NM_000548.5(TSC2):c.905C>T (p.Ala302Val)

Gene: TSC2 (TSC complex subunit 2; plus strand). Cytogenetic location: 16p13.3.
Variant type: single nucleotide variant.
Coding change: c.905C>T on transcript NM_000548.5 (MANE Select); coding-DNA position 905, C replaced by T.
Protein change: p.Ala302Val; replaces alanine 302 with valine.
Molecular consequence: missense variant.
Genome position (GRCh38, 1-based): chr16:2,058,803, C>T. VCF-style: chr16-2058803-C-T. GRCh37 (hg19) VCF-style: chr16-2108804-C-T.
Other names: c.905C>T, p.Ala302Val (NM_001077183.3, NM_001114382.3, NM_001363528.2 and 6 more transcripts); c.794C>T, p.Ala265Val (NM_001318827.2, NM_001406670.1, NM_001406678.1); c.758C>T, p.Ala253Val (NM_001318829.2, NM_001406675.1, NM_001406676.1 and 1 more transcripts); c.305C>T, p.Ala102Val (NM_001318831.2, NM_001406680.1, NM_001406682.1 and 6 more transcripts); c.938C>T, p.Ala313Val (NM_001318832.2); c.995C>T, p.Ala332Val (NM_001406667.1, NM_001406668.1); c.893C>T, p.Ala298Val (NM_001406671.1, NM_001406673.1); c.848C>T, p.Ala283Val (NM_001406677.1); and 4 more; short protein forms A283V, A102V, A253V, A302V, A332V, A148V, A298V, A313V.
Identifiers: ClinVar variation 1765623 (VCV001765623.2), dbSNP rs2151107275, ClinGen allele CA394315293.

ClinVar aggregate classification (germline): Uncertain significance (1 of 4 stars; one submission).

Conditions:
Hereditary cancer-predisposing syndrome. Also called: Neoplastic Syndromes, Hereditary; Tumor predisposition; Hereditary Cancer Syndrome; Hereditary neoplastic syndrome. Identifiers: Orphanet 140162, MedGen C0027672, MeSH D009386, MONDO:0015356.

Submission:

Ambry Genetics
Classification: Uncertain significance for Hereditary cancer-predisposing syndrome. Last evaluated: 2022-03-29. Review status: criteria provided, single submitter. Criteria: Ambry Variant Classification Scheme 2023. Collection method: clinical testing. Allele origin: germline.
Comment: The p.A302V variant (also known as c.905C>T), located in coding exon 9 of the TSC2 gene, results from a C to T substitution at nucleotide position 905. The alanine at codon 302 is replaced by valine, an amino acid with similar properties. This amino acid position is conserved. In addition, this alteration is predicted to be deleterious by in silico analysis. Since supporting evidence is limited at this time, the clinical significance of this alteration remains unclear.